The following is an entry in ClinVar:

ClinVar aggregate classification (germline): Uncertain significance (1 of 4 stars; one submission).

Conditions:
Hereditary spastic paraplegia 75. Also called: Spastic paraplegia 75, autosomal recessive. Identifiers: Orphanet 459056, MedGen C4225250, MONDO:0014729, OMIM 616680.

Allele frequency attached by ClinVar (database versions not stated): TOPMed below 0.00001; ExAC 0.00001; gnomAD 0.00001.

Submission:

Labcorp Genetics (formerly Invitae), Labcorp
Classification: Uncertain significance for Hereditary spastic paraplegia 75. Last evaluated: 2023-06-29. Review status: criteria provided, single submitter. Criteria: Invitae Variant Classification Sherloc (09022015). Collection method: clinical testing. Allele origin: germline.
Comment: In summary, the available evidence is currently insufficient to determine the role of this variant in disease. Therefore, it has been classified as a Variant of Uncertain Significance. Advanced modeling of protein sequence and biophysical properties (such as structural, functional, and spatial information, amino acid conservation, physicochemical variation, residue mobility, and thermodynamic stability) performed at Invitae indicates that this missense variant is not expected to disrupt MAG protein function. ClinVar contains an entry for this variant (Variation ID: 2061059). This variant has not been reported in the literature in individuals affected with MAG-related conditions. This variant is present in population databases (rs200281744, gnomAD 0.0009%). This sequence change replaces arginine, which is basic and polar, with histidine, which is basic and polar, at codon 43 of the MAG protein (p.Arg43His).

NM_002361.4(MAG):c.128G>A (p.Arg43His)

Gene: MAG (myelin associated glycoprotein; plus strand). Cytogenetic location: 19q13.12.
Variant type: single nucleotide variant.
Coding change: c.128G>A on transcript NM_002361.4 (MANE Select); coding-DNA position 128, G replaced by A.
Protein change: p.Arg43His; replaces arginine 43 with histidine.
Molecular consequence: missense variant.
Genome position (GRCh38, 1-based): chr19:35,295,694, G>A. VCF-style: chr19-35295694-G-A. GRCh37 (hg19) VCF-style: chr19-35786597-G-A.
Other names: c.53G>A, p.Arg18His (NM_001199216.2); c.128G>A, p.Arg43His (NM_080600.3); short protein forms R18H, R43H.
Identifiers: ClinVar variation 2061059 (VCV002061059.2), dbSNP rs200281744, ClinGen allele CA9375935.